The following is an entry in ClinVar:

NM_001256012.3(MYH10):c.2251G>A (p.Val751Ile)

Gene: MYH10 (myosin heavy chain 10; minus strand). Cytogenetic location: 17p13.1.
Variant type: single nucleotide variant.
Coding change: c.2251G>A on transcript NM_001256012.3 (MANE Select); coding-DNA position 2251, G replaced by A.
Protein change: p.Val751Ile; replaces valine 751 with isoleucine.
Molecular consequence: missense variant.
Genome position (GRCh38, 1-based): chr17:8,520,900, C>T on the plus strand (G>A on the coding strand, the complement: MYH10 is on the minus strand). VCF-style: chr17-8520900-C-T. GRCh37 (hg19) VCF-style: chr17-8424218-C-T.
Other names: c.2185G>A, p.Val729Ile (NM_001256095.2); c.2188G>A, p.Val730Ile (NM_001375266.1); c.2158G>A, p.Val720Ile (NM_005964.5); short protein forms V720I, V729I, V730I, V751I.
Identifiers: ClinVar variation 4686345 (VCV004686345.1).

ClinVar aggregate classification (germline): Uncertain significance (1 of 4 stars; one submission).

gnomAD v4.1: 3 of 1,612,126 alleles (0.00019%); highest among the groups gnomAD compares: Non-Finnish European, 0.00025%; no homozygotes.

Submission:

GeneDx
Classification: Uncertain significance. Last evaluated: 2025-07-10. Review status: criteria provided, single submitter. Criteria: GeneDx Variant Classification Process June 2021. Collection method: clinical testing. Allele origin: germline. Affected: yes.
Comment: Not observed at significant frequency in large population cohorts (gnomAD); In silico analysis suggests that this missense variant does not alter protein structure/function; Has not been previously published as pathogenic or benign to our knowledge